The following is an entry in ClinVar:

NM_001142800.2(EYS):c.2545C>T (p.Arg849Cys)

Gene: EYS (EGF-like photoreceptor maintenance factor; minus strand). Cytogenetic location: 6q12.
Variant type: single nucleotide variant.
Coding change: c.2545C>T on transcript NM_001142800.2 (MANE Select); coding-DNA position 2545, C replaced by T.
Protein change: p.Arg849Cys; replaces arginine 849 with cysteine.
Molecular consequence: missense variant.
Genome position (GRCh38, 1-based): chr6:64,912,580, G>A on the plus strand (C>T on the coding strand, the complement: EYS is on the minus strand). VCF-style: chr6-64912580-G-A. GRCh37 (hg19) VCF-style: chr6-65622473-G-A.
Other names: c.2545C>T, p.Arg849Cys (NM_001292009.2); short protein forms R849C.
Identifiers: ClinVar variation 866582 (VCV000866582.10), dbSNP rs369347845, ClinGen allele CA140380275.

ClinVar aggregate classification (germline): Conflicting classifications of pathogenicity. Review status: criteria provided, conflicting classifications (1 of 4 stars). 4 submissions from 4 submitters: Uncertain significance (3); Benign (1). Last evaluated 2026-02-10.

Conditions:
Retinitis pigmentosa 25 (RP25). Identifiers: Orphanet 791, MedGen C1864446, MONDO:0011272, OMIM 602772.
EYS-related disorder. Also called: EYS-related condition.

Allele frequency attached by ClinVar (database versions not stated): gnomAD 0.00004 and 0.00005; gnomAD exomes 0.00006 and 0.00008; TOPMed 0.00006; ESP Exome Variant Server 0.00022.
gnomAD v4.1: 111 of 1,551,036 alleles (0.0072%); highest among the groups gnomAD compares: Middle Eastern, 0.033%; no homozygotes.

Submissions (4):

PreventionGenetics, part of Exact Sciences
Classification: Uncertain significance for EYS-related condition. Last evaluated: 2026-02-10. Review status: criteria provided, single submitter. Criteria: ACMG Guidelines, 2015. Collection method: clinical testing. Allele origin: germline.
Comment: The EYS c.2545C>T variant is predicted to result in the amino acid substitution p.Arg849Cys. This variant was reported in the compound heterozygous state in an individual with retinitis pigmentosa (Tian et al. 2020. PubMed ID: 33058741). This variant is reported in 0.0080% of alleles in individuals of East Asian descent in gnomAD. At this time, the clinical significance of this variant is uncertain due to the absence of conclusive functional and genetic evidence.

Labcorp Genetics (formerly Invitae), Labcorp
Classification: Benign. Last evaluated: 2025-05-28. Review status: criteria provided, single submitter. Criteria: Invitae Variant Classification Sherloc (09022015). Collection method: clinical testing. Allele origin: germline.

Blueprint Genetics
Classification: Uncertain significance. Last evaluated: 2024-11-21. Review status: criteria provided, single submitter. Criteria: ACMG Guidelines, 2015. Collection method: clinical testing. Allele origin: germline.

Fulgent Genetics
Classification: Uncertain significance for Retinitis pigmentosa 25. Last evaluated: 2022-03-08. Review status: criteria provided, single submitter. Criteria: ACMG Guidelines, 2015. Collection method: clinical testing. Allele origin: unknown.